The following is an entry in ClinVar:

ClinVar aggregate classification (germline): Uncertain significance. Review status: criteria provided, multiple submitters, no conflicts (2 of 4 stars). 2 submissions from 2 submitters: Uncertain significance (2). Last evaluated 2025-12-16.

Allele frequency attached by ClinVar (database versions not stated): TOPMed 0.00001; gnomAD 0.00001; gnomAD exomes 0.00001.
gnomAD v4.1: 9 of 1,612,668 alleles (0.00056%); highest among the groups gnomAD compares: African/African-American, 0.0013%; no homozygotes.

Submissions (2):

Labcorp Genetics (formerly Invitae), Labcorp
Classification: Uncertain significance. Last evaluated: 2025-12-16. Review status: criteria provided, single submitter. Criteria: Invitae Variant Classification Sherloc (09022015). Collection method: clinical testing. Allele origin: germline.
Comment: This sequence change replaces lysine, which is basic and polar, with glutamic acid, which is acidic and polar, at codon 208 of the SOX10 protein (p.Lys208Glu). This variant is not present in population databases (gnomAD no frequency). This variant has not been reported in the literature in individuals affected with SOX10-related conditions. ClinVar contains an entry for this variant (Variation ID: 1354443). Invitae Evidence Modeling of protein sequence and biophysical properties (such as structural, functional, and spatial information, amino acid conservation, physicochemical variation, residue mobility, and thermodynamic stability) indicates that this missense variant is not expected to disrupt SOX10 protein function with a negative predictive value of 95%. In summary, the available evidence is currently insufficient to determine the role of this variant in disease. Therefore, it has been classified as a Variant of Uncertain Significance.

Women's Health and Genetics/Laboratory Corporation of America, LabCorp
Classification: Uncertain significance. Last evaluated: 2022-06-17. Review status: criteria provided, single submitter. Criteria: LabCorp Variant Classification Summary - May 2015. Collection method: clinical testing. Allele origin: germline.
Comment: Variant summary: SOX10 c.622A>G (p.Lys208Glu) results in a conservative amino acid change in the encoded protein sequence. Three of five in-silico tools predict a damaging effect of the variant on protein function. The variant was absent in 248002 control chromosomes (gnomAD). The available data on variant occurrences in the general population are insufficient to allow any conclusion about variant significance. To our knowledge, no occurrence of c.622A>G in individuals affected with Waardenburg Syndrome Type 2E and no experimental evidence demonstrating its impact on protein function have been reported. One ClinVar submitter has assessed the variant since 2014: the variant was classified as of uncertain significance. Based on the evidence outlined above, the variant was classified as uncertain significance.

NM_006941.4(SOX10):c.622A>G (p.Lys208Glu)

Genes: POLR2F (RNA polymerase II, I and III subunit F; plus strand), SOX10 (SRY-box transcription factor 10; minus strand). Cytogenetic location: 22q13.1.
Variant type: single nucleotide variant.
Coding change: c.622A>G on transcript NM_006941.4 (MANE Select); coding-DNA position 622, A replaced by G.
Protein change: p.Lys208Glu; replaces lysine 208 with glutamic acid.
Molecular consequence: missense variant. On other transcripts: intron variant (3).
Genome position (GRCh38, 1-based): chr22:37,977,942, T>C on the plus strand (A>G on the coding strand, the complement: SOX10 is on the minus strand). VCF-style: chr22-37977942-T-C. GRCh37 (hg19) VCF-style: chr22-38373949-T-C.
Other names: c.*38+5632T>C (NM_001363825.1); c.294-8212T>C (NM_001301130.2); c.293+10772T>C (NM_001301131.2); short protein forms K208E.
Identifiers: ClinVar variation 1354443 (VCV001354443.8), dbSNP rs1400625808, ClinGen allele CA411497379.